The following is an entry in ClinVar:

NM_006516.4(SLC2A1):c.19-2A>G

Gene: SLC2A1 (solute carrier family 2 member 1; minus strand). Cytogenetic location: 1p34.2.
Variant type: single nucleotide variant.
Coding change: c.19-2A>G on transcript NM_006516.4 (MANE Select); the canonical splice acceptor site of the intron before coding-DNA position 19, A replaced by G.
Molecular consequence: splice acceptor variant.
Genome position (GRCh38, 1-based): chr1:42,943,323, T>C on the plus strand (A>G on the coding strand, the complement: SLC2A1 is on the minus strand). VCF-style: chr1-42943323-T-C. GRCh37 (hg19) VCF-style: chr1-43408994-T-C.
Identifiers: ClinVar variation 207225 (VCV000207225.5), dbSNP rs796053272, ClinGen allele CA318488.

ClinVar aggregate classification (germline): Pathogenic. Review status: criteria provided, multiple submitters, no conflicts (2 of 4 stars). 3 submissions from 3 submitters: Pathogenic (3). Last evaluated 2024-08-22.

Conditions:
Hereditary cryohydrocytosis with reduced stomatin. Also called: GLUT1 DEFICIENCY SYNDROME WITH PSEUDOHYPERKALEMIA AND HEMOLYSIS; Stomatin-deficient cryohydrocytosis with neurologic defects. Identifiers: Orphanet 168577, MedGen C1837206, MONDO:0012143, OMIM 608885.
Encephalopathy due to GLUT1 deficiency. Also called: GLUT1 deficiency syndrome 1, infantile onset, severe; GLUCOSE TRANSPORT DEFECT, BLOOD-BRAIN BARRIER; Classic Glucose Transporter Type 1 Deficiency Syndrome; De Vivo disease; GLUT1 deficiency syndrome 1; Glucose transporter protein syndrome. Identifiers: Orphanet 71277, MedGen C4551966, MONDO:0011724, OMIM 606777.
Childhood onset GLUT1 deficiency syndrome 2. Also called: GLUT1 deficiency syndrome 2; PxMD-SLC2A1; Exertion-induced paroxysmal dyskinesia; PAROXYSMAL EXERCISE-INDUCED DYSKINESIA WITH OR WITHOUT EPILEPSY AND/OR HEMOLYTIC ANEMIA; PAROXYSMAL EXERTION-INDUCED DYSTONIA WITH OR WITHOUT EPILEPSY AND/OR HEMOLYTIC ANEMIA; PED WITH OR WITHOUT EPILEPSY AND/OR HEMOLYTIC ANEMIA. Identifiers: Orphanet 98811, MedGen C1842534, MONDO:0012805, OMIM 612126.
Dystonia 9 (DYT9). Also called: CHOREOATHETOSIS, KINESIGENIC, WITH EPISODIC ATAXIA AND SPASTICITY. Identifiers: Orphanet 53583, MedGen C1832855, MONDO:0010983, OMIM 601042.
Epilepsy, idiopathic generalized, susceptibility to, 12 (EIG12). Identifiers: MedGen C3553859, MONDO:0013919, OMIM 614847.

Submissions (3):

GeneDx
Classification: Pathogenic. Last evaluated: 2024-08-22. Review status: criteria provided, single submitter. Criteria: GeneDx Variant Classification Process June 2021. Collection method: clinical testing. Allele origin: germline. Affected: yes.
Comment: De novo variant in a patient with microcephaly, agenesis of the corpus callosum, cerebellar hypoplasia, West syndrome, and normal CSF glucose in published literature (PMID: 25108116); Canonical splice site variant predicted to result in an in-frame loss of the adjacent exon in a gene for which loss of function is a known mechanism of disease; Not observed at significant frequency in large population cohorts (gnomAD); This variant is associated with the following publications: (PMID: 25108116, 31216405)

Genome-Nilou Lab
Classification: Pathogenic for Encephalopathy due to GLUT1 deficiency. Last evaluated: 2023-04-11. Review status: criteria provided, single submitter. Criteria: ACMG Guidelines, 2015. Collection method: clinical testing. Allele origin: germline. Affected: no.

Baylor Genetics
Classification: Pathogenic for Dystonia 9; Encephalopathy due to GLUT1 deficiency; Childhood onset GLUT1 deficiency syndrome 2; Hereditary cryohydrocytosis with reduced stomatin; Epilepsy, idiopathic generalized, susceptibility to, 12. Last evaluated: 2017-12-31. Review status: criteria provided, single submitter. Criteria: ACMG Guidelines, 2015. Collection method: clinical testing. Allele origin: germline. Affected: yes.

Literature cited by the submitters: PubMed 25108116 (cited by Baylor Genetics).